The following is an entry in ClinVar:

ClinVar aggregate classification (germline): Uncertain significance (1 of 4 stars; one submission).

Conditions:
Early-infantile DEE. Also called: Early infantile epileptic encephalopathy; Ohtahara syndrome; Early infantile epileptic encephalopathy with suppression bursts. Identifiers: Orphanet 1934, MedGen C0393706, MONDO:0800491.

Submission:

Labcorp Genetics (formerly Invitae), Labcorp
Classification: Uncertain significance for Early-infantile DEE. Last evaluated: 2022-05-19. Review status: criteria provided, single submitter. Criteria: Invitae Variant Classification Sherloc (09022015). Collection method: clinical testing. Allele origin: germline.
Comment: In summary, the available evidence is currently insufficient to determine the role of this variant in disease. Therefore, it has been classified as a Variant of Uncertain Significance. Variants that disrupt the consensus splice site are a relatively common cause of aberrant splicing (PMID: 17576681, 9536098). Algorithms developed to predict the effect of sequence changes on RNA splicing suggest that this variant may disrupt the consensus splice site. This variant has not been reported in the literature in individuals affected with KCNQ2-related conditions. This variant is not present in population databases (gnomAD no frequency). This sequence change falls in intron 7 of the KCNQ2 gene. It does not directly change the encoded amino acid sequence of the KCNQ2 protein. It affects a nucleotide within the consensus splice site.

Literature cited by the submitters: PubMed 17576681; PubMed 9536098.

NM_172107.4(KCNQ2):c.1023+2dup

Gene: KCNQ2 (potassium voltage-gated channel subfamily Q member 2; minus strand). Cytogenetic location: 20q13.33.
Variant type: Duplication.
Coding change: c.1023+2dup on transcript NM_172107.4 (MANE Select); the canonical splice donor site of the intron after coding-DNA position 1023, one base duplicated (T; older notation c.1023+2dupT).
Molecular consequence: splice donor variant.
Genome position (GRCh38, 1-based): chr20:63,438,623, A duplicated on the plus strand (T on the coding strand, the reverse complement: KCNQ2 is on the minus strand). VCF-style (leftmost placement, unchanged base first): chr20-63438622-C-CA. GRCh37 (hg19) VCF-style: chr20-62069975-C-CA.
Other names: c.1023+2dup (NM_004518.6, NM_172108.5, NM_172106.3 and 2 more transcripts).
Identifiers: ClinVar variation 2118829 (VCV002118829.4), dbSNP rs2516408392, ClinGen allele CA2580098387.
Genomic context (GRCh38, chr20:63,438,622, plus strand): 5'-CTCCTCAACAAGGTGGGACCAGGACAAGGGCTGTGCTGGTCCCCGGGGGACACCTGGACT[C>CA]ACCTGGATCAGGCCTGCTGCCGGGTTCCGCCTCTTCTCAAAGTGCTTCTGCCTGTGCTGC-3'